The following is an entry in ClinVar:

ClinVar aggregate classification (germline): Uncertain significance (1 of 4 stars; one submission).

gnomAD v4.1: 1 of 1,606,938 alleles (0.000062%); highest among the groups gnomAD compares: Non-Finnish European, 0.000085%; no homozygotes.

Submission:

Labcorp Genetics (formerly Invitae), Labcorp
Classification: Uncertain significance. Last evaluated: 2025-12-22. Review status: criteria provided, single submitter. Criteria: Invitae Variant Classification Sherloc (09022015). Collection method: clinical testing. Allele origin: germline.
Comment: This sequence change replaces threonine, which is neutral and polar, with asparagine, which is neutral and polar, at codon 1297 of the PHIP protein (p.Thr1297Asn). This variant is present in population databases (no rsID available, gnomAD 0.0009%). This variant has not been reported in the literature in individuals affected with PHIP-related conditions. ClinVar contains an entry for this variant (Variation ID: 3632152). Invitae Evidence Modeling of protein sequence and biophysical properties (such as structural, functional, and spatial information, amino acid conservation, physicochemical variation, residue mobility, and thermodynamic stability) indicates that this missense variant is not expected to disrupt PHIP protein function with a negative predictive value of 95%. In summary, the available evidence is currently insufficient to determine the role of this variant in disease. Therefore, it has been classified as a Variant of Uncertain Significance.

NM_017934.7(PHIP):c.3890C>A (p.Thr1297Asn)

Genes: IRAK1BP1 (interleukin 1 receptor associated kinase 1 binding protein 1; plus strand), PHIP (PHIP subunit of CUL4-Ring ligase complex; minus strand). Cytogenetic location: 6q14.1.
Variant type: single nucleotide variant.
Coding change: c.3890C>A on transcript NM_017934.7 (MANE Select); coding-DNA position 3890, C replaced by A.
Protein change: p.Thr1297Asn; replaces threonine 1297 with asparagine.
Molecular consequence: missense variant.
Genome position (GRCh38, 1-based): chr6:78,955,245, G>T on the plus strand (C>A on the coding strand, the complement: PHIP is on the minus strand). VCF-style: chr6-78955245-G-T. GRCh37 (hg19) VCF-style: chr6-79664962-G-T.
Other names: short protein forms T1297N.
Identifiers: ClinVar variation 3632152 (VCV003632152.2).